The following is an entry in ClinVar:

ClinVar aggregate classification (germline): Uncertain significance. Review status: criteria provided, multiple submitters, no conflicts (2 of 4 stars). 2 submissions from 2 submitters: Uncertain significance (2). Last evaluated 2024-06-30.

Conditions:
Hereditary cancer-predisposing syndrome. Also called: Tumor predisposition; Hereditary Cancer Syndrome; Neoplastic Syndromes, Hereditary; Hereditary neoplastic syndrome. Identifiers: Orphanet 140162, MedGen C0027672, MeSH D009386, MONDO:0015356.

Allele frequency attached by ClinVar (database versions not stated): TOPMed below 0.00001.
gnomAD v4.1: 1 of 1,613,216 alleles (0.000062%); no homozygotes.

Submissions (2):

Ambry Genetics
Classification: Uncertain significance for Hereditary cancer-predisposing syndrome. Last evaluated: 2024-06-30. Review status: criteria provided, single submitter. Criteria: Ambry Variant Classification Scheme 2023. Collection method: clinical testing. Allele origin: germline.
Comment: The p.Q794H variant (also known as c.2382G>T), located in coding exon 17 of the MSH3 gene, results from a G to T substitution at nucleotide position 2382. The glutamine at codon 794 is replaced by histidine, an amino acid with highly similar properties. This amino acid position is conserved. In addition, the in silico prediction for this alteration is inconclusive. Based on the available evidence, the clinical significance of this variant remains unclear.

Labcorp Genetics (formerly Invitae), Labcorp
Classification: Uncertain significance. Last evaluated: 2022-07-29. Review status: criteria provided, single submitter. Criteria: Invitae Variant Classification Sherloc (09022015). Collection method: clinical testing. Allele origin: germline.
Comment: This sequence change replaces glutamine, which is neutral and polar, with histidine, which is basic and polar, at codon 794 of the MSH3 protein (p.Gln794His). In summary, the available evidence is currently insufficient to determine the role of this variant in disease. Therefore, it has been classified as a Variant of Uncertain Significance. Algorithms developed to predict the effect of missense changes on protein structure and function are either unavailable or do not agree on the potential impact of this missense change (SIFT: "Tolerated"; PolyPhen-2: "Probably Damaging"; Align-GVGD: "Class C0"). This variant has not been reported in the literature in individuals affected with MSH3-related conditions. This variant is present in population databases (no rsID available, gnomAD 0.0009%).

NM_002439.5(MSH3):c.2382G>T (p.Gln794His)

Gene: MSH3 (mutS homolog 3; plus strand). Cytogenetic location: 5q14.1.
Variant type: single nucleotide variant.
Coding change: c.2382G>T on transcript NM_002439.5 (MANE Select); coding-DNA position 2382, G replaced by T.
Protein change: p.Gln794His; replaces glutamine 794 with histidine.
Molecular consequence: missense variant.
Genome position (GRCh38, 1-based): chr5:80,778,783, G>T. VCF-style: chr5-80778783-G-T. GRCh37 (hg19) VCF-style: chr5-80074602-G-T.
Other names: c.2382G>T (NM_002439.3); short protein forms Q794H.
Identifiers: ClinVar variation 2413434 (VCV002413434.7), dbSNP rs1282862844, ClinGen allele CA360281833.